The following is an entry in ClinVar:

NM_000368.5(TSC1):c.825T>G (p.Tyr275Ter)

Gene: TSC1 (TSC complex subunit 1; minus strand). Cytogenetic location: 9q34.13.
Variant type: single nucleotide variant.
Coding change: c.825T>G on transcript NM_000368.5 (MANE Select); coding-DNA position 825, T replaced by G.
Protein change: p.Tyr275Ter; replaces tyrosine 275 with a stop codon.
Molecular consequence: nonsense.
Genome position (GRCh38, 1-based): chr9:132,912,370, A>C on the plus strand (T>G on the coding strand, the complement: TSC1 is on the minus strand). VCF-style: chr9-132912370-A-C. GRCh37 (hg19) VCF-style: chr9-135787757-A-C.
Other names: c.825T>G, p.Tyr275Ter (NM_001162426.2); c.672T>G, p.Tyr224Ter (NM_001162427.2); c.462T>G, p.Tyr154Ter (NM_001362177.2); short protein forms Y275*, Y224*, Y154*.
Identifiers: ClinVar variation 49110 (VCV000049110.7), dbSNP rs118203454, ClinGen allele CA008254.

ClinVar aggregate classification (germline): Pathogenic. Review status: criteria provided, single submitter (1 of 4 stars). 2 submissions from 2 submitters: Pathogenic (1). 1 of the submissions does not count toward it. Last evaluated 2017-04-29.

Conditions:
Tuberous sclerosis 1 (TSC1). Identifiers: Orphanet 805, MedGen C1854465, MONDO:0008612, OMIM 191100.
Tuberous sclerosis syndrome (TSC). Also called: Tuberous Sclerosis Complex; Tuberous sclerosis. Identifiers: Orphanet 805, MedGen C0041341, MONDO:0001734.

Submissions (2):

Labcorp Genetics (formerly Invitae), Labcorp
Classification: Pathogenic for Tuberous sclerosis 1. Last evaluated: 2017-04-29. Review status: criteria provided, single submitter. Criteria: Invitae Variant Classification Sherloc (09022015). Collection method: clinical testing. Allele origin: germline.
Comment: This sequence change creates a premature translational stop signal at codon 275 (p.Tyr275*) of the TSC1 gene. It is expected to result in an absent or disrupted protein product. Loss-of-function variants in TSC1 are known to be pathogenic. This variant has been reported in individuals in the Leiden Open-source Variation Database (PMID: 21520333). For these reasons, this variant has been classified as Pathogenic.

Tuberous sclerosis database (TSC1)
No classification provided. Condition: TSC. Review status: no classification provided. Criteria: Tuberous Sclerosis Database Assertion Criteria 2015. Collection method: curation. Allele origin: germline. Affected: yes. Not counted in ClinVar's aggregate classification.

Literature cited by the submitters: PubMed 21520333 (cited by Labcorp Genetics (formerly Invitae), Labcorp).